The following is an entry in ClinVar:

ClinVar aggregate classification (germline): Uncertain significance (1 of 4 stars; one submission).

Conditions:
Medulloblastoma (MDB). Also called: MEDULLOBLASTOMA PREDISPOSITION SYNDROME; Medulloblastoma, somatic. Identifiers: Orphanet 616, MedGen C0025149, MeSH D008527, MONDO:0007959, OMIM 155255, HP:0002885.
Gorlin syndrome. Also called: Nevoid Basal Cell Carcinoma Syndrome; Basal cell nevus syndrome. Identifiers: Orphanet 377, MedGen C0004779, MONDO:0007187.

Submission:

Labcorp Genetics (formerly Invitae), Labcorp
Classification: Uncertain significance for Gorlin syndrome; Medulloblastoma. Last evaluated: 2021-10-27. Review status: criteria provided, single submitter. Criteria: Invitae Variant Classification Sherloc (09022015). Collection method: clinical testing. Allele origin: germline.
Comment: In summary, the available evidence is currently insufficient to determine the role of this variant in disease. Therefore, it has been classified as a Variant of Uncertain Significance. Algorithms developed to predict the effect of missense changes on protein structure and function are either unavailable or do not agree on the potential impact of this missense change (SIFT: "Deleterious"; PolyPhen-2: "Benign"; Align-GVGD: "Class C0"). This variant has not been reported in the literature in individuals affected with SUFU-related conditions. This variant is not present in population databases (gnomAD no frequency). This sequence change replaces serine, a(n) neutral and polar amino acid, with tyrosine, a(n) neutral and polar amino acid, at codon 452 of the SUFU protein (p.Ser452Tyr).

NM_016169.4(SUFU):c.1355C>A (p.Ser452Tyr)

Gene: SUFU (SUFU negative regulator of hedgehog signaling; plus strand). Cytogenetic location: 10q24.32.
Variant type: single nucleotide variant.
Coding change: c.1355C>A on transcript NM_016169.4 (MANE Select); coding-DNA position 1355, C replaced by A.
Protein change: p.Ser452Tyr; replaces serine 452 with tyrosine.
Molecular consequence: missense variant.
Genome position (GRCh38, 1-based): chr10:102,627,233, C>A. VCF-style: chr10-102627233-C-A. GRCh37 (hg19) VCF-style: chr10-104386990-C-A.
Other names: short protein forms S452Y.
Identifiers: ClinVar variation 1388801 (VCV001388801.6), dbSNP rs2135954353, ClinGen allele CA377918852.